The following is an entry in ClinVar:

NM_002474.3(MYH11):c.1782G>A (p.Lys594=)

Gene: MYH11 (myosin heavy chain 11; minus strand). Cytogenetic location: 16p13.11.
Variant type: single nucleotide variant.
Coding change: c.1782G>A on transcript NM_002474.3 (MANE Select); coding-DNA position 1782, G replaced by A.
Protein change: p.Lys594=; no amino-acid change (lysine 594 retained).
Molecular consequence: synonymous variant.
Genome position (GRCh38, 1-based): chr16:15,753,476, C>T on the plus strand (G>A on the coding strand, the complement: MYH11 is on the minus strand). VCF-style: chr16-15753476-C-T. GRCh37 (hg19) VCF-style: chr16-15847333-C-T.
Other names: c.1803G>A, p.Lys601= (NM_001040113.2, NM_001040114.2); c.1782G>A, p.Lys594= (NM_022844.3).
Identifiers: ClinVar variation 924589 (VCV000924589.43), dbSNP rs774175693, ClinGen allele CA7922512.

ClinVar aggregate classification (germline): Conflicting classifications of pathogenicity. Review status: criteria provided, conflicting classifications (1 of 4 stars). 4 submissions from 4 submitters: Uncertain significance (1); Likely benign (3). Last evaluated 2023-12-13.

Conditions:
Familial thoracic aortic aneurysm and aortic dissection (TAAD). Also called: Thoracic aortic aneurysms and dissections. Identifiers: Orphanet 91387, MedGen C4707243, MONDO:0019625.
Aortic aneurysm, familial thoracic 4 (AAT4). Also called: AORTIC ANEURYSM/AORTIC DISSECTION AND PATENT DUCTUS ARTERIOSUS. Identifiers: MedGen C1851504, MONDO:0007568, OMIM 132900.

Allele frequency attached by ClinVar (database versions not stated): gnomAD exomes below 0.00001 and 0.00001; ExAC 0.00002.
gnomAD v4.1: 5 of 1,614,180 alleles (0.00031%); highest among the groups gnomAD compares: Middle Eastern, 0.017%; no homozygotes.

Submissions (4):

All of Us Research Program, National Institutes of Health
Classification: Likely benign for Familial thoracic aortic aneurysm and aortic dissection. Last evaluated: 2023-12-13. Review status: criteria provided, single submitter. Criteria: ACMG Guidelines, 2015. Collection method: clinical testing. Allele origin: germline. Inheritance: Autosomal dominant inheritance. Observed: 1 variant allele, 1 heterozygote.
Comment: This study involves interpretation of variants in research participants for the purpose of population health screening. Participant phenotype was not available at the time of variant classification. Additional details can be found in publication PMID: 35346344, PMCID: PMC8962531

Labcorp Genetics (formerly Invitae), Labcorp
Classification: Likely benign for Aortic aneurysm, familial thoracic 4. Last evaluated: 2021-04-14. Review status: criteria provided, single submitter. Criteria: Invitae Variant Classification Sherloc (09022015). Collection method: clinical testing. Allele origin: germline.

CeGaT Center for Human Genetics Tuebingen
Classification: Uncertain significance. Last evaluated: 2021-04-01. Review status: criteria provided, single submitter. Criteria: CeGaT Center For Human Genetics Tuebingen Variant Classification Criteria Version 2. Collection method: clinical testing. Allele origin: germline. Affected: yes. Observed: 1 variant allele.

Color Diagnostics, LLC DBA Color Health
Classification: Likely benign for Familial thoracic aortic aneurysm and aortic dissection. Last evaluated: 2018-10-21. Review status: criteria provided, single submitter. Criteria: ACMG Guidelines, 2015. Collection method: clinical testing. Allele origin: germline.